The following is an entry in ClinVar:

NM_012200.4(B3GAT3):c.512G>C (p.Arg171Thr)

Gene: B3GAT3 (beta-1,3-glucuronyltransferase 3; minus strand). Cytogenetic location: 11q12.3.
Variant type: single nucleotide variant.
Coding change: c.512G>C on transcript NM_012200.4 (MANE Select); coding-DNA position 512, G replaced by C.
Protein change: p.Arg171Thr; replaces arginine 171 with threonine.
Molecular consequence: missense variant. On other transcripts: non-coding transcript variant (1).
Genome position (GRCh38, 1-based): chr11:62,617,093, C>G on the plus strand (G>C on the coding strand, the complement: B3GAT3 is on the minus strand). VCF-style: chr11-62617093-C-G. GRCh37 (hg19) VCF-style: chr11-62384565-C-G.
Other names: c.491G>C, p.Arg164Thr (NM_001288721.2); c.512G>C, p.Arg171Thr (NM_001288722.2, NM_001288723.2); short protein forms R164T, R171T.
Identifiers: ClinVar variation 2889692 (VCV002889692.3), dbSNP rs766890781, ClinGen allele CA6050098.

ClinVar aggregate classification (germline): Uncertain significance (1 of 4 stars; one submission).

Conditions:
Larsen-like syndrome, B3GAT3 type. Also called: Multiple joint dislocations, short stature, craniofacial dysmorphism, with or without congenital heart defects; MULTIPLE JOINT DISLOCATIONS, SHORT STATURE, AND CRANIOFACIAL DYSMORPHISM WITH OR WITHOUT CONGENITAL HEART DEFECTS. Identifiers: Orphanet 284139, MedGen CN034159, MONDO:0009511, OMIM 245600.

Allele frequency attached by ClinVar (database versions not stated): ExAC 0.00001.
gnomAD v4.1: 3 of 1,614,136 alleles (0.00019%); highest among the groups gnomAD compares: South Asian, 0.0011%; no homozygotes.

Submission:

Labcorp Genetics (formerly Invitae), Labcorp
Classification: Uncertain significance for Larsen-like syndrome, B3GAT3 type. Last evaluated: 2024-06-17. Review status: criteria provided, single submitter. Criteria: Invitae Variant Classification Sherloc (09022015). Collection method: clinical testing. Allele origin: germline.
Comment: This sequence change replaces arginine, which is basic and polar, with threonine, which is neutral and polar, at codon 171 of the B3GAT3 protein (p.Arg171Thr). This variant is present in population databases (rs766890781, gnomAD 0.003%). This variant has not been reported in the literature in individuals affected with B3GAT3-related conditions. Advanced modeling of protein sequence and biophysical properties (such as structural, functional, and spatial information, amino acid conservation, physicochemical variation, residue mobility, and thermodynamic stability) performed at Invitae indicates that this missense variant is not expected to disrupt B3GAT3 protein function with a negative predictive value of 80%. In summary, the available evidence is currently insufficient to determine the role of this variant in disease. Therefore, it has been classified as a Variant of Uncertain Significance.